The following is an entry in ClinVar:

ClinVar aggregate classification (germline): Uncertain significance (1 of 4 stars; one submission).

Conditions:
Neurodevelopmental disorder with or without early-onset generalized epilepsy. Identifiers: MedGen C5436914, MONDO:0030930, OMIM 619157.

Submission:

Laboratorio de Genetica e Diagnostico Molecular, Hospital Israelita Albert Einstein
Classification: Uncertain significance for Neurodevelopmental disorder with or without early-onset generalized epilepsy. Last evaluated: 2022-09-16. Review status: criteria provided, single submitter. Criteria: ACMG Guidelines, 2015. Collection method: clinical testing. Allele origin: germline. Affected: yes.
Comment: ACMG classification criteria: PM2 moderate

NM_001385012.1(NBEA):c.6807-10_6807-3del

Gene: NBEA (neurobeachin; plus strand). Cytogenetic location: 13q13.3.
Variant type: Deletion.
Coding change: c.6807-10_6807-3del on transcript NM_001385012.1 (MANE Select); 10 bases into the intron before coding-DNA position 6807 through 3 bases into the intron before coding-DNA position 6807, 8 bases deleted (TAATTGCT; older notation c.6807-10_6807-3delTAATTGCT).
Molecular consequence: intron variant.
Genome position (GRCh38, 1-based): chr13:35,554,977-35,554,984, TAATTGCT deleted; deleting any 8 consecutive bases within chr13:35,554,973-35,554,984 gives the same sequence; the c. name uses the placement nearest the transcript's 3' end. VCF-style (leftmost placement, unchanged base first): chr13-35554972-GTGCTTAAT-G. GRCh37 (hg19) VCF-style: chr13-36129109-GTGCTTAAT-G.
Other names: c.6807-10_6807-3del (NM_015678.5); c.6798-10_6798-3del (NM_001379245.1); c.186-10_186-3del (NM_001204197.3).
Identifiers: ClinVar variation 4846869 (VCV004846869.1).
Genomic context (GRCh38, chr13:35,554,972, plus strand): 5'-ATATTAGTTAATATTGGATTTTTTAAAGTTATGAATTAAAGAGACTATGTTTGTTATGCT[GTGCTTAAT>G]TGCTAGGAGGATATCATTGGCCACTCCTCGACAGCTTTATAAATCTTCCAATATGACTCA-3'